The following is an entry in ClinVar:

NM_001042492.3(NF1):c.2462G>T (p.Ser821Ile)

Gene: NF1 (neurofibromin 1; plus strand). Cytogenetic location: 17q11.2.
Variant type: single nucleotide variant.
Coding change: c.2462G>T on transcript NM_001042492.3 (MANE Select); coding-DNA position 2462, G replaced by T.
Protein change: p.Ser821Ile; replaces serine 821 with isoleucine.
Molecular consequence: missense variant.
Genome position (GRCh38, 1-based): chr17:31,229,077, G>T. VCF-style: chr17-31229077-G-T. GRCh37 (hg19) VCF-style: chr17-29556095-G-T.
Other names: c.2462G>T, p.Ser821Ile (NM_000267.4); short protein forms S821I.
Identifiers: ClinVar variation 561744 (VCV000561744.1), dbSNP rs1303972238, ClinGen allele CA398983966.

ClinVar aggregate classification (germline): Uncertain significance (1 of 4 stars; one submission).

Allele frequency attached by ClinVar (database versions not stated): gnomAD exomes below 0.00001.

Submission:

GeneDx
Classification: Uncertain significance. Last evaluated: 2018-02-19. Review status: criteria provided, single submitter. Criteria: GeneDx Variant Classification (06012015). Collection method: clinical testing. Allele origin: germline. Affected: yes.
Comment: This variant is denoted NF1 c.2462G>T at the cDNA level, p.Ser821Ile (S821I) at the protein level, and results in the change of a Serine to an Isoleucine (AGT>ATT). This variant has not, to our knowledge, been published in the literature as pathogenic or benign. NF1 Ser821Ile was not observed at a significant allele frequency in large population cohorts (Lek 2016). This variant is located in the GTPase activating protein domain (Luo 2014). In silico analysis, which includes protein predictors and evolutionary conservation, supports a deleterious effect. Based on currently available evidence, it is unclear whether NF1 Ser821Ile is a pathogenic or benign variant. We consider it to be a variant of uncertain significance.